The following is an entry in ClinVar:

ClinVar aggregate classification (germline): Pathogenic (1 of 4 stars; one submission).

Submission:

GeneDx
Classification: Pathogenic. Last evaluated: 2024-01-29. Review status: criteria provided, single submitter. Criteria: GeneDx Variant Classification Process June 2021. Collection method: clinical testing. Allele origin: germline. Affected: yes.
Comment: Nonsense variant predicted to result in protein truncation or nonsense mediated decay in a gene for which loss of function is a known mechanism of disease; Not observed at significant frequency in large population cohorts (gnomAD); This variant is associated with the following publications: (PMID: 33074480, 31040790)

NM_001355436.2(SPTB):c.2470C>T (p.Gln824Ter)

Gene: SPTB (spectrin beta, erythrocytic; minus strand). Cytogenetic location: 14q23.3.
Variant type: single nucleotide variant.
Coding change: c.2470C>T on transcript NM_001355436.2 (MANE Select); coding-DNA position 2470, C replaced by T.
Protein change: p.Gln824Ter; replaces glutamine 824 with a stop codon.
Molecular consequence: nonsense.
Genome position (GRCh38, 1-based): chr14:64,793,193, G>A on the plus strand (C>T on the coding strand, the complement: SPTB is on the minus strand). VCF-style: chr14-64793193-G-A. GRCh37 (hg19) VCF-style: chr14-65259911-G-A.
Other names: NM_000347.5:c.2470C>T; c.2470C>T, p.Gln824Ter (NM_001024858.4, NM_001355437.2); short protein forms Q824*.
Identifiers: ClinVar variation 3340784 (VCV003340784.1).